The following is an entry in ClinVar:

ClinVar aggregate classification (germline): Likely pathogenic (1 of 4 stars; one submission).

Conditions:
Short stature, facial dysmorphism, and skeletal anomalies with or without cardiac anomalies 1. Identifiers: MedGen C5542952, MONDO:0100297, OMIM 617877.

Submission:

3billion
Classification: Likely pathogenic for Short stature, facial dysmorphism, and skeletal anomalies with or without cardiac anomalies 1. Last evaluated: 2025-11-06. Review status: criteria provided, single submitter. Criteria: ACMG Guidelines, 2015. Collection method: clinical testing. Allele origin: germline. Affected: yes.
Comment: The variant is not observed in the gnomAD v4.1.0 dataset. Predicted Consequence/Location: Frameshift: predicted to result in a loss or disruption of normal protein function through protein truncation. The predicted truncated protein may be shortened by more than 10%. Therefore, this variant is classified as Likely pathogenic according to the recommendation of ACMG/AMP guideline.

NM_001200.4(BMP2):c.816del (p.His274fs)

Gene: BMP2 (bone morphogenetic protein 2; plus strand). Cytogenetic location: 20p12.3.
Variant type: Deletion.
Coding change: c.816del on transcript NM_001200.4 (MANE Select); coding-DNA position 816, one base deleted (A; older notation c.816delA).
Protein change: p.His274fs; shifts the reading frame from histidine 274.
Molecular consequence: frameshift variant.
Genome position (GRCh38, 1-based): chr20:6,778,714, A deleted; the last of 4 consecutive A bases (chr20:6,778,711-6,778,714); deleting any one gives the same sequence. VCF-style (leftmost placement, unchanged base first): chr20-6778710-GA-G. GRCh37 (hg19) VCF-style: chr20-6759357-GA-G.
Other names: short protein forms H274fs.
Identifiers: ClinVar variation 4855809 (VCV004855809.1).